The following is an entry in ClinVar:

ClinVar aggregate classification (germline): Uncertain significance (1 of 4 stars; one submission).

Conditions:
Hereditary cancer-predisposing syndrome. Also called: Tumor predisposition; Hereditary Cancer Syndrome; Neoplastic Syndromes, Hereditary; Hereditary neoplastic syndrome. Identifiers: Orphanet 140162, MedGen C0027672, MeSH D009386, MONDO:0015356.

Submission:

Ambry Genetics
Classification: Uncertain significance for Hereditary cancer-predisposing syndrome. Last evaluated: 2020-12-01. Review status: criteria provided, single submitter. Criteria: Ambry Variant Classification Scheme 2023. Collection method: clinical testing. Allele origin: germline.
Comment: The p.L913F variant (also known as c.2737C>T), located in coding exon 13 of the BLM gene, results from a C to T substitution at nucleotide position 2737. The leucine at codon 913 is replaced by phenylalanine, an amino acid with highly similar properties. This amino acid position is well conserved in available vertebrate species. In addition, this alteration is predicted to be tolerated by in silico analysis. Since supporting evidence is limited at this time, the clinical significance of this alteration remains unclear.

NM_000057.4(BLM):c.2737C>T (p.Leu913Phe)

Gene: BLM (BLM RecQ like helicase; plus strand). Cytogenetic location: 15q26.1.
Variant type: single nucleotide variant.
Coding change: c.2737C>T on transcript NM_000057.4 (MANE Select); coding-DNA position 2737, C replaced by T.
Protein change: p.Leu913Phe; replaces leucine 913 with phenylalanine.
Molecular consequence: missense variant.
Genome position (GRCh38, 1-based): chr15:90,784,995, C>T. VCF-style: chr15-90784995-C-T. GRCh37 (hg19) VCF-style: chr15-91328225-C-T.
Other names: c.2737C>T, p.Leu913Phe (NM_001287246.2, NM_001287247.2); c.1612C>T, p.Leu538Phe (NM_001287248.2); short protein forms L538F, L913F.
Identifiers: ClinVar variation 1795363 (VCV001795363.2), dbSNP rs2505501741, ClinGen allele CA393846004.